The following is an entry in ClinVar:

ClinVar aggregate classification (germline): Uncertain significance. Review status: criteria provided, multiple submitters, no conflicts (2 of 4 stars). 2 submissions from 2 submitters: Uncertain significance (2). Last evaluated 2023-12-01.

Conditions:
Hereditary cancer-predisposing syndrome. Also called: Hereditary neoplastic syndrome; Tumor predisposition; Neoplastic Syndromes, Hereditary; Hereditary Cancer Syndrome. Identifiers: Orphanet 140162, MedGen C0027672, MeSH D009386, MONDO:0015356.

Submissions (2):

Ambry Genetics
Classification: Uncertain significance for Hereditary cancer-predisposing syndrome. Last evaluated: 2023-12-01. Review status: criteria provided, single submitter. Criteria: Ambry Variant Classification Scheme 2023. Collection method: clinical testing. Allele origin: germline.
Comment: The p.V240F variant (also known as c.718G>T), located in coding exon 7 of the BMPR1A gene, results from a G to T substitution at nucleotide position 718. The valine at codon 240 is replaced by phenylalanine, an amino acid with highly similar properties. This amino acid position is well conserved in available vertebrate species. In addition, this alteration is predicted to be deleterious by in silico analysis. Since supporting evidence is limited at this time, the clinical significance of this alteration remains unclear.

Sema4
Classification: Uncertain significance for Hereditary cancer-predisposing syndrome. Last evaluated: 2022-02-23. Review status: criteria provided, single submitter. Criteria: Sema4 Curation Guidelines. Collection method: curation. Allele origin: germline.
Comment: The BMPR1A c.718G>T (p.V240F) variant has not been reported in the literature to our knowledge. This variant is not reported in the population database Genome Aggregation Database (PMID: 32461654). The variant has not been reported in ClinVar. In silico tools suggest the impact of the variant on protein function is deleterious, though these predictions have not been confirmed by functional studies. The evidence is insufficient to meet ACMG/AMP criteria for classifying the variant as benign or pathogenic. Thus, the clinical significance of this variant is currently uncertain.

NM_004329.3(BMPR1A):c.718G>T (p.Val240Phe)

Gene: BMPR1A (bone morphogenetic protein receptor type 1A; plus strand). Cytogenetic location: 10q23.2.
Variant type: single nucleotide variant.
Coding change: c.718G>T on transcript NM_004329.3 (MANE Select); coding-DNA position 718, G replaced by T.
Protein change: p.Val240Phe; replaces valine 240 with phenylalanine.
Molecular consequence: missense variant.
Genome position (GRCh38, 1-based): chr10:86,917,176, G>T. VCF-style: chr10-86917176-G-T. GRCh37 (hg19) VCF-style: chr10-88676933-G-T.
Other names: short protein forms V240F.
Identifiers: ClinVar variation 1692792 (VCV001692792.3), dbSNP rs1060503405, ClinGen allele CA377457246.
Genomic context (GRCh38, chr10:86,917,176, plus strand): 5'-TTACTTTTTTCTATAAAGGTTCAGCGAACTATTGCCAAACAGATTCAGATGGTCCGGCAA[G>T]TTGGTAAAGGCCGATATGGAGAAGTATGGATGGGCAAATGGCGTGGCGAAAAAGTGGCGG-3'
Protein context (NP_004320.2, residues 230-250): IAKQIQMVRQ[Val240Phe]GKGRYGEVWM